The following is an entry in ClinVar:

ClinVar aggregate classification (germline): Uncertain significance (1 of 4 stars; one submission).

Allele frequency attached by ClinVar (database versions not stated): TOPMed below 0.00001; gnomAD exomes 0.00001 and 0.00003; ExAC 0.00006.
gnomAD v4.1: 11 of 1,612,600 alleles (0.00068%); highest among the groups gnomAD compares: Admixed American, 0.015%; no homozygotes.

Submission:

Labcorp Genetics (formerly Invitae), Labcorp
Classification: Uncertain significance. Last evaluated: 2021-10-13. Review status: criteria provided, single submitter. Criteria: Invitae Variant Classification Sherloc (09022015). Collection method: clinical testing. Allele origin: germline.
Comment: This sequence change falls in intron 44 of the NBAS gene. It does not directly change the encoded amino acid sequence of the NBAS protein. This variant is present in population databases (rs763210167, ExAC 0.06%). This variant has not been reported in the literature in individuals affected with NBAS-related conditions. Algorithms developed to predict the effect of sequence changes on RNA splicing suggest that this variant may create or strengthen a splice site. In summary, the available evidence is currently insufficient to determine the role of this variant in disease. Therefore, it has been classified as a Variant of Uncertain Significance.

NM_015909.4(NBAS):c.5724+13A>G

Gene: NBAS (NBAS subunit of NRZ tethering complex; minus strand). Cytogenetic location: 2p24.3.
Variant type: single nucleotide variant.
Coding change: c.5724+13A>G on transcript NM_015909.4 (MANE Select); 13 bases into the intron after coding-DNA position 5724, A replaced by G.
Molecular consequence: intron variant.
Genome position (GRCh38, 1-based): chr2:15,275,471, T>C on the plus strand (A>G on the coding strand, the complement: NBAS is on the minus strand). VCF-style: chr2-15275471-T-C. GRCh37 (hg19) VCF-style: chr2-15415595-T-C.
Identifiers: ClinVar variation 1517404 (VCV001517404.3), dbSNP rs763210167, ClinGen allele CA1535238.